The following is an entry in ClinVar:

NM_001292063.2(OTOG):c.6917G>C (p.Ser2306Thr)

Gene: OTOG (otogelin; plus strand). Cytogenetic location: 11p15.1.
Variant type: single nucleotide variant.
Coding change: c.6917G>C on transcript NM_001292063.2 (MANE Select); coding-DNA position 6917, G replaced by C.
Protein change: p.Ser2306Thr; replaces serine 2306 with threonine.
Molecular consequence: missense variant.
Genome position (GRCh38, 1-based): chr11:17,631,906, G>C. VCF-style: chr11-17631906-G-C. GRCh37 (hg19) VCF-style: chr11-17653453-G-C.
Other names: c.6953G>C, p.Ser2318Thr (NM_001277269.2); short protein forms S2306T, S2318T.
Identifiers: ClinVar variation 4082596 (VCV004082596.1).

ClinVar aggregate classification (germline): Uncertain significance (1 of 4 stars; one submission).

gnomAD v4.1: 3 of 1,549,880 alleles (0.00019%); highest among the groups gnomAD compares: African/African-American, 0.0027%; no homozygotes.

Submission:

GeneDx
Classification: Uncertain significance. Last evaluated: 2025-03-03. Review status: criteria provided, single submitter. Criteria: GeneDx Variant Classification Process June 2021. Collection method: clinical testing. Allele origin: germline. Affected: yes.
Comment: In silico analysis indicates that this missense variant does not alter protein structure/function; Has not been previously published as pathogenic or benign to our knowledge